The following is an entry in ClinVar:

ClinVar aggregate classification (germline): Likely benign (1 of 4 stars; one submission).

Submission:

CeGaT Center for Human Genetics Tuebingen
Classification: Likely benign. Last evaluated: 2025-10-01. Review status: criteria provided, single submitter. Criteria: CeGaT Center For Human Genetics Tuebingen Variant Classification Criteria Version 2. Collection method: clinical testing. Allele origin: germline. Affected: yes. Observed: 1 variant allele.
Comment: KDM3B: BP4, BP7

NM_016604.4(KDM3B):c.4551A>C (p.Arg1517=)

Gene: KDM3B (lysine demethylase 3B; plus strand). Cytogenetic location: 5q31.2.
Variant type: single nucleotide variant.
Coding change: c.4551A>C on transcript NM_016604.4 (MANE Select); coding-DNA position 4551, A replaced by C.
Protein change: p.Arg1517=; no amino-acid change (arginine 1517 retained).
Molecular consequence: synonymous variant.
Genome position (GRCh38, 1-based): chr5:138,427,237, A>C. VCF-style: chr5-138427237-A-C. GRCh37 (hg19) VCF-style: chr5-137762926-A-C.
Identifiers: ClinVar variation 4535079 (VCV004535079.6).
Genomic context (GRCh38, chr5:138,427,237, plus strand): 5'-GCACTTTTATAGGTTTGAAGATCTGATGGAGAACCTTCCTCTGCCAGAATATACCAAACG[A>C]GATGGCAGGCTCAATCTGGCCTCTAGGCTACCTAGCTACTTTGTAAGGCCTGATCTGGGC-3'
Protein context (NP_057688.3, residues 1507-1527): ENLPLPEYTK[Arg1517=]DGRLNLASRL